The following is an entry in ClinVar:

NM_000814.6(GABRB3):c.943G>T (p.Val315Phe)

Gene: GABRB3 (gamma-aminobutyric acid type A receptor subunit beta3; minus strand). Cytogenetic location: 15q12.
Variant type: single nucleotide variant.
Coding change: c.943G>T on transcript NM_000814.6 (MANE Select); coding-DNA position 943, G replaced by T.
Protein change: p.Val315Phe; replaces valine 315 with phenylalanine.
Molecular consequence: missense variant.
Genome position (GRCh38, 1-based): chr15:26,561,069, C>A on the plus strand (G>T on the coding strand, the complement: GABRB3 is on the minus strand). VCF-style: chr15-26561069-C-A. GRCh37 (hg19) VCF-style: chr15-26806216-C-A.
Other names: c.688G>T, p.Val230Phe (NM_001191320.2, NM_001278631.2); c.730G>T, p.Val244Phe (NM_001191321.3); c.943G>T, p.Val315Phe (NM_021912.5); short protein forms V315F, V244F, V230F.
Identifiers: ClinVar variation 2940898 (VCV002940898.3), dbSNP rs1889964397, ClinGen allele CA391461960.

ClinVar aggregate classification (germline): Uncertain significance (1 of 4 stars; one submission).

Conditions:
Epilepsy, childhood absence, susceptibility to, 5. Identifiers: Orphanet 64280, MedGen C2677087, MONDO:0012843, OMIM 612269.
Epilepsy, childhood absence, susceptibility to, 1. Also called: Epilepsy, childhood absence 1. Identifiers: Orphanet 64280, MedGen C1838604, MONDO:0020759, OMIM 600131.

Submission:

Labcorp Genetics (formerly Invitae), Labcorp
Classification: Uncertain significance for Epilepsy, childhood absence, susceptibility to, 5; Epilepsy, childhood absence, susceptibility to, 1. Last evaluated: 2024-01-02. Review status: criteria provided, single submitter. Criteria: Invitae Variant Classification Sherloc (09022015). Collection method: clinical testing. Allele origin: germline.
Comment: This sequence change replaces valine, which is neutral and non-polar, with phenylalanine, which is neutral and non-polar, at codon 315 of the GABRB3 protein (p.Val315Phe). This variant is not present in population databases (gnomAD no frequency). This variant has not been reported in the literature in individuals affected with GABRB3-related conditions. Advanced modeling of protein sequence and biophysical properties (such as structural, functional, and spatial information, amino acid conservation, physicochemical variation, residue mobility, and thermodynamic stability) performed at Invitae indicates that this missense variant is expected to disrupt GABRB3 protein function with a positive predictive value of 95%. In summary, the available evidence is currently insufficient to determine the role of this variant in disease. Therefore, it has been classified as a Variant of Uncertain Significance.